The following is an entry in ClinVar:

ClinVar aggregate classification (germline): Uncertain significance (1 of 4 stars; one submission).

Submission:

Labcorp Genetics (formerly Invitae), Labcorp
Classification: Uncertain significance. Last evaluated: 2025-12-21. Review status: criteria provided, single submitter. Criteria: Invitae Variant Classification Sherloc (09022015). Collection method: clinical testing. Allele origin: germline.
Comment: This sequence change replaces tyrosine, which is neutral and polar, with aspartic acid, which is acidic and polar, at codon 492 of the IL12RB2 protein (p.Tyr492Asp). This variant is not present in population databases (gnomAD no frequency). This variant has not been reported in the literature in individuals affected with IL12RB2-related conditions. An algorithm developed to predict the effect of missense changes on protein structure and function (PolyPhen-2) suggests that this variant is likely to be tolerated. In summary, the available evidence is currently insufficient to determine the role of this variant in disease. Therefore, it has been classified as a Variant of Uncertain Significance.

NM_001374259.2(IL12RB2):c.1474T>G (p.Tyr492Asp)

Gene: IL12RB2 (interleukin 12 receptor subunit beta 2; plus strand). Cytogenetic location: 1p31.3.
Variant type: single nucleotide variant.
Coding change: c.1474T>G on transcript NM_001374259.2 (MANE Select); coding-DNA position 1474, T replaced by G.
Protein change: p.Tyr492Asp; replaces tyrosine 492 with aspartic acid.
Molecular consequence: missense variant. On other transcripts: non-coding transcript variant (2), intron variant (1).
Genome position (GRCh38, 1-based): chr1:67,372,450, T>G. VCF-style: chr1-67372450-T-G. GRCh37 (hg19) VCF-style: chr1-67838133-T-G.
Other names: c.1474T>G, p.Tyr492Asp (NM_001258214.1, NM_001258216.1, NM_001319233.1 and 1 more transcripts); c.1459+4425T>G (NM_001258215.1); short protein forms Y492D.
Identifiers: ClinVar variation 4733823 (VCV004733823.1).